The following is an entry in ClinVar:

NM_001034853.2(RPGR):c.323T>A (p.Val108Glu)

Gene: RPGR (retinitis pigmentosa GTPase regulator; minus strand). Cytogenetic location: Xp11.4.
Variant type: single nucleotide variant.
Coding change: c.323T>A on transcript NM_001034853.2 (MANE Select); coding-DNA position 323, T replaced by A.
Protein change: p.Val108Glu; replaces valine 108 with glutamic acid.
Molecular consequence: missense variant. On other transcripts: non-coding transcript variant (6).
Genome position (GRCh38, 1-based): chrX:38,318,975, A>T on the plus strand (T>A on the coding strand, the complement: RPGR is on the minus strand). VCF-style: chrX-38318975-A-T. GRCh37 (hg19) VCF-style: chrX-38178228-A-T.
Other names: c.323T>A, p.Val108Glu (NM_000328.3, NM_001367245.1, NM_001367246.1 and 3 more transcripts); c.353T>A, p.Val118Glu (NM_001367248.1); c.320T>A, p.Val107Glu (NM_001367249.1); short protein forms V107E, V108E, V118E.
Identifiers: ClinVar variation 4856791 (VCV004856791.1).

ClinVar aggregate classification (germline): VUS-high (0 of 4 stars; one submission).

Conditions:
Retinitis pigmentosa 3. Also called: CHOROIDORETINAL DEGENERATION WITH RETINAL REFLEX IN HETEROZYGOUS WOMEN. Identifiers: Orphanet 791, MedGen C1845667, MONDO:0010227, OMIM 300029.

Submission:

Department of Medical Genetics, Unidade Local de Saúde de Coimbra
Classification: VUS-high for Retinitis pigmentosa 3. Review status: no assertion criteria provided. Collection method: clinical testing. Allele origin: inherited. Inheritance: X-linked inheritance. Affected: yes. Observed: 3 variant alleles, 1 heterozygote, 2 hemizygotes.
Comment: The c.323T>A variant in RPGR was identified in a family affected by X‑linked retinitis pigmentosa (XLRP). It segregated with the disease in 3 affected relatives and was not detected in large population databases.

Literature cited by the submitters: PubMed 42521440.